The following is an entry in ClinVar:

ClinVar aggregate classification (germline): Conflicting classifications of pathogenicity. Review status: criteria provided, conflicting classifications (1 of 4 stars). 2 submissions from 2 submitters: Uncertain significance (1); Benign (1). Last evaluated 2025-12-18.

Allele frequency attached by ClinVar (database versions not stated): gnomAD 0.00009; 1000 Genomes Project 0.00040; 1000 Genomes Project 30x 0.00047.
gnomAD v4.1: 47 of 1,609,536 alleles (0.0029%); highest among the groups gnomAD compares: African/African-American, 0.017%; no homozygotes.

Submissions (2):

Labcorp Genetics (formerly Invitae), Labcorp
Classification: Benign. Last evaluated: 2025-12-18. Review status: criteria provided, single submitter. Criteria: Invitae Variant Classification Sherloc (09022015). Collection method: clinical testing. Allele origin: germline.

Women's Health and Genetics/Laboratory Corporation of America, LabCorp
Classification: Uncertain significance. Last evaluated: 2023-08-02. Review status: criteria provided, single submitter. Criteria: LabCorp Variant Classification Summary - May 2015. Collection method: clinical testing. Allele origin: germline.
Comment: Variant summary: CACNA1G c.1796C>T (p.Pro599Leu) results in a non-conservative amino acid change in the encoded protein sequence. Three of five in-silico tools predict a damaging effect of the variant on protein function. The variant allele was found at a frequency of 4.6e-05 in 239194 control chromosomes (gnomAD). To our knowledge, no occurrence of c.1796C>T in individuals affected with Spinocerebellar Ataxia Type 42 and no experimental evidence demonstrating its impact on protein function have been reported. No submitters have cited clinical-significance assessments for this variant to ClinVar after 2014. Based on the evidence outlined above, the variant was classified as uncertain significance.

NM_018896.5(CACNA1G):c.1796C>T (p.Pro599Leu)

Gene: CACNA1G (calcium voltage-gated channel subunit alpha1 G; plus strand). Cytogenetic location: 17q21.33.
Variant type: single nucleotide variant.
Coding change: c.1796C>T on transcript NM_018896.5 (MANE Select); coding-DNA position 1796, C replaced by T.
Protein change: p.Pro599Leu; replaces proline 599 with leucine.
Molecular consequence: missense variant. On other transcripts: non-coding transcript variant (5).
Genome position (GRCh38, 1-based): chr17:50,576,198, C>T. VCF-style: chr17-50576198-C-T. GRCh37 (hg19) VCF-style: chr17-48653559-C-T.
Other names: c.1796C>T, p.Pro599Leu (NM_001256324.2, NM_001256325.2, NM_001256326.2 and 24 more transcripts); short protein forms P599L.
Identifiers: ClinVar variation 2581230 (VCV002581230.4), dbSNP rs531596059, ClinGen allele CA8652245.